The following is an entry in ClinVar:

ClinVar aggregate classification (germline): Likely benign. Review status: criteria provided, multiple submitters, no conflicts (2 of 4 stars). 2 submissions from 2 submitters: Likely benign (2). Last evaluated 2025-01-18.

Allele frequency attached by ClinVar (database versions not stated): gnomAD exomes below 0.00001; ExAC 0.00001; gnomAD 0.00001; ESP Exome Variant Server 0.00008.
gnomAD v4.1: 2 of 1,609,650 alleles (0.00012%); no homozygotes.

Submissions (2):

Labcorp Genetics (formerly Invitae), Labcorp
Classification: Likely benign. Last evaluated: 2025-01-18. Review status: criteria provided, single submitter. Criteria: Invitae Variant Classification Sherloc (09022015). Collection method: clinical testing. Allele origin: germline.

CeGaT Center for Human Genetics Tuebingen
Classification: Likely benign. Last evaluated: 2023-10-01. Review status: criteria provided, single submitter. Criteria: CeGaT Center For Human Genetics Tuebingen Variant Classification Criteria Version 2. Collection method: clinical testing. Allele origin: germline. Affected: yes. Observed: 1 variant allele.
Comment: CEP135: BP4, BP7

NM_025009.5(CEP135):c.1431T>C (p.Tyr477=)

Gene: CEP135 (centrosomal protein 135; plus strand). Cytogenetic location: 4q12.
Variant type: single nucleotide variant.
Coding change: c.1431T>C on transcript NM_025009.5 (MANE Select); coding-DNA position 1431, T replaced by C.
Protein change: p.Tyr477=; no amino-acid change (tyrosine 477 retained).
Molecular consequence: synonymous variant.
Genome position (GRCh38, 1-based): chr4:55,974,927, T>C. VCF-style: chr4-55974927-T-C. GRCh37 (hg19) VCF-style: chr4-56841093-T-C.
Identifiers: ClinVar variation 2654764 (VCV002654764.26), dbSNP rs368894168, ClinGen allele CA2927862.